The following is an entry in ClinVar:

NM_080911.3(UNG):c.*463C>T

Gene: UNG (uracil DNA glycosylase; plus strand). Cytogenetic location: 12q24.11.
Variant type: single nucleotide variant.
Coding change: c.*463C>T on transcript NM_080911.3 (MANE Select); 463 bases downstream of the stop codon, C replaced by T.
Molecular consequence: 3 prime UTR variant.
Genome position (GRCh38, 1-based): chr12:109,110,432, C>T. VCF-style: chr12-109110432-C-T. GRCh37 (hg19) VCF-style: chr12-109548237-C-T.
Other names: c.*463C>T (NM_003362.4).
Identifiers: ClinVar variation 306984 (VCV000306984.5), dbSNP rs55947010, ClinGen allele CA10640034.

ClinVar aggregate classification (germline): Likely benign (1 of 4 stars; one submission).

Conditions:
Hyper-IgM syndrome type 5 (HIGM5). Also called: Hyper-IgM Immunodeficiency Syndrome, Type 5. Identifiers: Orphanet 101092, MedGen C1720958, MONDO:0011971, OMIM 608106.

Allele frequency attached by ClinVar (database versions not stated): gnomAD exomes 0.00030; gnomAD 0.00170 and 0.00178; TOPMed 0.00173; 1000 Genomes Project 0.00280; 1000 Genomes Project 30x 0.00328.
gnomAD v4.1: 275 of 208,686 alleles (0.13%); highest among the groups gnomAD compares: African/African-American, 0.56%; 1 homozygote.

Submission:

Illumina Laboratory Services, Illumina
Classification: Likely benign for Hyper-IgM syndrome type 5. Last evaluated: 2018-01-13. Review status: criteria provided, single submitter. Criteria: ICSL Variant Classification Criteria 13 December 2019. Collection method: clinical testing. Allele origin: germline.
Comment: This variant was observed in the ICSL laboratory as part of a predisposition screen in an ostensibly healthy population. It had not been previously curated by ICSL or reported in the Human Gene Mutation Database (HGMD: prior to June 1st, 2018), and was therefore a candidate for classification through an automated scoring system. Utilizing variant allele frequency, disease prevalence and penetrance estimates, and inheritance mode, an automated score was calculated to assess if this variant is too frequent to cause the disease. Based on the score and internal cut-off values, a variant classified as likely benign is not then subjected to further curation. The score for this variant resulted in a classification of likely benign for this disease.